The following is an entry in ClinVar:

ClinVar aggregate classification (germline): Likely benign (0 of 4 stars; one submission).

Conditions:
NDUFB8-related disorder. Also called: NDUFB8-related condition.

Submission:

PreventionGenetics, part of Exact Sciences
Classification: Likely benign for NDUFB8-related condition. Last evaluated: 2019-11-21. Review status: no assertion criteria provided. Collection method: clinical testing. Allele origin: germline.
Comment: This variant is classified as likely benign based on ACMG/AMP sequence variant interpretation guidelines (Richards et al. 2015 PMID: 25741868, with internal and published modifications).

NM_005004.4(NDUFB8):c.469-222_469-220del

Gene: NDUFB8 (NADH:ubiquinone oxidoreductase subunit B8; minus strand). Cytogenetic location: 10q24.31.
Variant type: Deletion.
Coding change: c.469-222_469-220del on transcript NM_005004.4 (MANE Select); 222 bases into the intron before coding-DNA position 469 through 220 bases into the intron before coding-DNA position 469, 3 bases deleted (TCT; older notation c.469-222_469-220delTCT).
Molecular consequence: intron variant.
Genome position (GRCh38, 1-based): chr10:100,524,149-100,524,151, AGA deleted on the plus strand (TCT on the coding strand, the reverse complement: NDUFB8 is on the minus strand); deleting any 3 consecutive bases within chr10:100,524,149-100,524,153 gives the same sequence; the c. name uses the placement nearest the transcript's 3' end. VCF-style (leftmost placement, unchanged base first): chr10-100524148-GAGA-G. GRCh37 (hg19) VCF-style: chr10-102283905-GAGA-G.
Other names: c.376-222_376-220del (NM_001284368.1); c.469-12_469-10del (NM_001284367.2).
Identifiers: ClinVar variation 3048758 (VCV003048758.2), dbSNP rs772321168, ClinGen allele CA5650120.